The following is an entry in ClinVar:

ClinVar aggregate classification (germline): Pathogenic (1 of 4 stars; one submission).

Submission:

GeneDx
Classification: Pathogenic. Last evaluated: 2023-08-03. Review status: criteria provided, single submitter. Criteria: GeneDx Variant Classification Process June 2021. Collection method: clinical testing. Allele origin: germline. Affected: yes.
Comment: Published functional studies demonstrate a damaging effect on channel regulation (PMID: 35698242); Not observed at significant frequency in large population cohorts (gnomAD); In silico analysis supports that this missense variant has a deleterious effect on protein structure/function; This variant is associated with the following publications: (PMID: 31192134, 35698242)

NM_001282534.2(KCNK9):c.391C>A (p.Arg131Ser)

Gene: KCNK9 (potassium two pore domain channel subfamily K member 9; minus strand). Cytogenetic location: 8q24.3.
Variant type: single nucleotide variant.
Coding change: c.391C>A on transcript NM_001282534.2 (MANE Select); coding-DNA position 391, C replaced by A.
Protein change: p.Arg131Ser; replaces arginine 131 with serine.
Molecular consequence: missense variant. On other transcripts: non-coding transcript variant (1).
Genome position (GRCh38, 1-based): chr8:139,618,992, G>T on the plus strand (C>A on the coding strand, the complement: KCNK9 is on the minus strand). VCF-style: chr8-139618992-G-T. GRCh37 (hg19) VCF-style: chr8-140631235-G-T.
Other names: short protein forms R131S.
Identifiers: ClinVar variation 3342854 (VCV003342854.1).
Genomic context (GRCh38, chr8:139,618,992, plus strand): 5'-TGCGCATGCCACAGCACTTCTTAATGCGCTTCAGCAGGTAGCGCACGAAGGTGTTCATGC[G>T]CTCGCCCAGGCTCTGGAACATGACCAGTGTCAGCGGGATGCCCAGCACGGCGTAGAACAT-3'
Protein context (NP_001269463.1, residues 121-141): TLVMFQSLGE[Arg131Ser]MNTFVRYLLK